The following is an entry in ClinVar:

ClinVar aggregate classification (germline): Uncertain significance (0 of 4 stars; one submission).

Conditions:
USP7-related disorder. Also called: USP7-related condition.

gnomAD v4.1: 3 of 1,614,120 alleles (0.00019%); highest among the groups gnomAD compares: Admixed American, 0.0017%; no homozygotes.

Submission:

PreventionGenetics, part of Exact Sciences
Classification: Uncertain significance for USP7-related condition. Last evaluated: 2024-08-21. Review status: no assertion criteria provided. Collection method: clinical testing. Allele origin: germline.
Comment: The USP7 c.1650C>G variant is predicted to result in the amino acid substitution p.Ile550Met. To our knowledge, this variant has not been reported in the literature. This variant is reported in 0.0029% of alleles in individuals of Latino descent in gnomAD. At this time, the clinical significance of this variant is uncertain due to the absence of conclusive functional and genetic evidence.

NM_003470.3(USP7):c.1650C>G (p.Ile550Met)

Gene: USP7 (ubiquitin specific peptidase 7; minus strand). Cytogenetic location: 16p13.2.
Variant type: single nucleotide variant.
Coding change: c.1650C>G on transcript NM_003470.3 (MANE Select); coding-DNA position 1650, C replaced by G.
Protein change: p.Ile550Met; replaces isoleucine 550 with methionine.
Molecular consequence: missense variant. On other transcripts: non-coding transcript variant (1).
Genome position (GRCh38, 1-based): chr16:8,904,489, G>C on the plus strand (C>G on the coding strand, the complement: USP7 is on the minus strand). VCF-style: chr16-8904489-G-C. GRCh37 (hg19) VCF-style: chr16-8998346-G-C.
Other names: c.1602C>G, p.Ile534Met (NM_001286457.2); c.1353C>G, p.Ile451Met (NM_001286458.2); c.1476C>G, p.Ile492Met (NM_001321858.2); short protein forms I451M, I492M, I534M, I550M.
Identifiers: ClinVar variation 3345703 (VCV003345703.1).